The following is an entry in ClinVar:

ClinVar aggregate classification (germline): Uncertain significance (1 of 4 stars; one submission).

Submission:

Women's Health and Genetics/Laboratory Corporation of America, LabCorp
Classification: Uncertain significance. Last evaluated: 2023-02-16. Review status: criteria provided, single submitter. Criteria: LabCorp Variant Classification Summary - May 2015. Collection method: clinical testing. Allele origin: germline.
Comment: Variant summary: MYH7 c.5365A>G (p.Thr1789Ala) results in a non-conservative amino acid change located in the Myosin tail domain (IPR002928) of the encoded protein sequence. Four of five in-silico tools predict a damaging effect of the variant on protein function. The variant was absent in 251496 control chromosomes. The available data on variant occurrences in the general population are insufficient to allow any conclusion about variant significance. To our knowledge, no occurrence of c.5365A>G in individuals affected with Cardiomyopathy and no experimental evidence demonstrating its impact on protein function have been reported. No clinical diagnostic laboratories have submitted clinical-significance assessments for this variant to ClinVar after 2014. Based on the evidence outlined above, the variant was classified as uncertain significance.

NM_000257.4(MYH7):c.5365A>G (p.Thr1789Ala)

Gene: MYH7 (myosin heavy chain 7; minus strand). Cytogenetic location: 14q11.2.
Variant type: single nucleotide variant.
Coding change: c.5365A>G on transcript NM_000257.4 (MANE Select); coding-DNA position 5365, A replaced by G.
Protein change: p.Thr1789Ala; replaces threonine 1789 with alanine.
Molecular consequence: missense variant.
Genome position (GRCh38, 1-based): chr14:23,415,189, T>C on the plus strand (A>G on the coding strand, the complement: MYH7 is on the minus strand). VCF-style: chr14-23415189-T-C. GRCh37 (hg19) VCF-style: chr14-23884398-T-C.
Other names: c.5365A>G, p.Thr1789Ala (NM_001407004.1); c.5365A>G (NM_000257.3); short protein forms T1789A.
Identifiers: ClinVar variation 2445868 (VCV002445868.1), dbSNP rs2502239490, ClinGen allele CA389035717.